The following is an entry in ClinVar:

ClinVar aggregate classification (germline): Pathogenic/Likely pathogenic. Review status: criteria provided, multiple submitters, no conflicts (2 of 4 stars). 5 submissions from 5 submitters: Pathogenic (2); Likely pathogenic (1). 2 of the submissions do not count toward it. Last evaluated 2025-09-05.

Conditions:
Citrullinemia type I (CTNL1). Also called: ASS DEFICIENCY; argininosuccinate synthetase deficiency. Identifiers: Orphanet 247525, MedGen C4721769, MONDO:0008988, OMIM 215700.
Citrullinemia. Identifiers: Orphanet 187, MedGen C0175683, MONDO:0015991.

gnomAD v4.1: 1 of 1,614,042 alleles (0.000062%); highest among the groups gnomAD compares: Non-Finnish European, 0.000085%; no homozygotes.

Submissions (5):

Women's Health and Genetics/Laboratory Corporation of America, LabCorp
Classification: Pathogenic for Citrullinemia. Last evaluated: 2025-09-05. Review status: criteria provided, single submitter. Criteria: LabCorp Variant Classification Summary - May 2015. Collection method: clinical testing. Allele origin: germline.
Comment: Variant summary: ASS1 c.380G>T (p.Arg127Leu) results in a non-conservative amino acid change in the encoded protein sequence. Algorithms developed to predict the effect of missense changes on protein structure and function all suggest that this variant is likely to be disruptive. The variant was absent in 251448 control chromosomes. c.380G>T has been observed in a homozygous individual affected with Citrullinemia Type I (Bertoli-Avella_2021). These data indicate that the variant may be associated with disease. A different variant affects the same codon and results in different amino acid change, c.380G>A; p.Arg127Gln has been classified as pathogenic, supporting the pathogenicity of this variant. At least one publication reports experimental evidence evaluating an impact on protein function (Diez-Fernandez_2016). The most pronounced variant effect results in <2% of normal activity. The following publications have been ascertained in the context of this evaluation (PMID: 32860008, 28111830, 27287393, 24889030). ClinVar contains an entry for this variant (Variation ID: 550586). Based on the evidence outlined above, the variant was classified as pathogenic.

Labcorp Genetics (formerly Invitae), Labcorp
Classification: Likely pathogenic for Citrullinemia. Last evaluated: 2023-04-25. Review status: criteria provided, single submitter. Criteria: Invitae Variant Classification Sherloc (09022015). Collection method: clinical testing. Allele origin: germline.
Comment: This sequence change replaces arginine, which is basic and polar, with leucine, which is neutral and non-polar, at codon 127 of the ASS1 protein (p.Arg127Leu). This variant is not present in population databases (gnomAD no frequency). ClinVar contains an entry for this variant (Variation ID: 550586). This missense change has been observed in individuals with Citrullinemia (PMID: 24889030, 32860008). Advanced modeling of protein sequence and biophysical properties (such as structural, functional, and spatial information, amino acid conservation, physicochemical variation, residue mobility, and thermodynamic stability) performed at Invitae indicates that this missense variant is expected to disrupt ASS1 protein function. Experimental studies have shown that this missense change affects ASS1 function (PMID: 27287393). This variant disrupts the p.Arg127 amino acid residue in ASS1. Other variant(s) that disrupt this residue have been determined to be pathogenic (PMID: 14680976, 23099195, 28111830, 31208364). This suggests that this residue is clinically significant, and that variants that disrupt this residue are likely to be disease-causing. In summary, the currently available evidence indicates that the variant is pathogenic, but additional data are needed to prove that conclusively. Therefore, this variant has been classified as Likely Pathogenic.

CENTOGENE GmbH and LLC - Guiding Precision Medicine
Classification: Pathogenic for Citrullinemia type I. Review status: criteria provided, single submitter. Criteria: ACMG Guidelines, 2015. Collection method: clinical testing. Allele origin: germline. Affected: yes.

Biochemical Molecular Genetic Laboratory, King Abdulaziz Medical City
Classification: Pathogenic for Citrullinemia type I. Last evaluated: 2019-08-25. Review status: no assertion criteria provided. Collection method: clinical testing. Allele origin: germline. Affected: yes. Not counted in ClinVar's aggregate classification.

Counsyl
Classification: Uncertain significance for Citrullinemia type I. Last evaluated: 2017-02-07. Review status: no assertion criteria provided. Collection method: clinical testing. Allele origin: unknown. Not counted in ClinVar's aggregate classification.

Literature cited by the submitters: PubMed 27287393 (cited by Women's Health and Genetics/Laboratory Corporation of America, LabCorp and Labcorp Genetics (formerly Invitae), Labcorp); PubMed 28111830 (cited by Women's Health and Genetics/Laboratory Corporation of America, LabCorp and Labcorp Genetics (formerly Invitae), Labcorp); PubMed 32860008 (cited by 3 submitters); PubMed 24889030 (cited by 3 submitters); PubMed 14680976 (cited by Labcorp Genetics (formerly Invitae), Labcorp); PubMed 23099195 (cited by Labcorp Genetics (formerly Invitae), Labcorp); PubMed 31208364 (cited by Labcorp Genetics (formerly Invitae), Labcorp).

NM_054012.4(ASS1):c.380G>T (p.Arg127Leu)

Gene: ASS1 (argininosuccinate synthase 1; plus strand). Cytogenetic location: 9q34.11.
Variant type: single nucleotide variant.
Coding change: c.380G>T on transcript NM_054012.4 (MANE Select); coding-DNA position 380, G replaced by T.
Protein change: p.Arg127Leu; replaces arginine 127 with leucine.
Molecular consequence: missense variant.
Genome position (GRCh38, 1-based): chr9:130,464,127, G>T. VCF-style: chr9-130464127-G-T. GRCh37 (hg19) VCF-style: chr9-133339514-G-T.
Other names: c.380G>T, p.Arg127Leu (NM_000050.4); short protein forms R127L.
Identifiers: ClinVar variation 550586 (VCV000550586.9), dbSNP rs201623252, ClinGen allele CA200612224.
Genomic context (GRCh38, chr9:130,464,127, plus strand): 5'-CCCCCATCCTGTGGCTCCTGACAGCCCTCTGTTCTGCATTGCAGGGGAACGATCAGGTCC[G>T]GTTTGAGCTCAGCTGCTACTCACTGGCCCCCCAGATAAAGGTAGGATGTGGCTCCTCCCC-3'
Protein context (NP_446464.1, residues 117-137): GATGKGNDQV[Arg127Leu]FELSCYSLAP